The following is an entry in ClinVar:

ClinVar aggregate classification (germline): Uncertain significance (1 of 4 stars; one submission).

Allele frequency attached by ClinVar (database versions not stated): gnomAD exomes below 0.00001; TOPMed below 0.00001.
gnomAD v4.1: 1 of 1,614,144 alleles (0.000062%); highest among the groups gnomAD compares: Non-Finnish European, 0.000085%; no homozygotes.

Submission:

Labcorp Genetics (formerly Invitae), Labcorp
Classification: Uncertain significance. Last evaluated: 2025-09-30. Review status: criteria provided, single submitter. Criteria: Invitae Variant Classification Sherloc (09022015). Collection method: clinical testing. Allele origin: germline.
Comment: This sequence change replaces asparagine, which is neutral and polar, with serine, which is neutral and polar, at codon 558 of the C1S protein (p.Asn558Ser). This variant is not present in population databases (gnomAD no frequency). This variant has not been reported in the literature in individuals affected with C1S-related conditions. ClinVar contains an entry for this variant (Variation ID: 2175047). An algorithm developed to predict the effect of missense changes on protein structure and function outputs the following: PolyPhen-2: "Benign". The serine amino acid residue is found in multiple mammalian species, which suggests that this missense change does not adversely affect protein function. In summary, the available evidence is currently insufficient to determine the role of this variant in disease. Therefore, it has been classified as a Variant of Uncertain Significance.

NM_001734.5(C1S):c.1673A>G (p.Asn558Ser)

Gene: C1S (complement C1s; plus strand). Cytogenetic location: 12p13.31.
Variant type: single nucleotide variant.
Coding change: c.1673A>G on transcript NM_001734.5 (MANE Select); coding-DNA position 1673, A replaced by G.
Protein change: p.Asn558Ser; replaces asparagine 558 with serine.
Molecular consequence: missense variant.
Genome position (GRCh38, 1-based): chr12:7,070,257, A>G. VCF-style: chr12-7070257-A-G. GRCh37 (hg19) VCF-style: chr12-7177561-A-G.
Other names: c.1172A>G, p.Asn391Ser (NM_001346850.2); c.1673A>G, p.Asn558Ser (NM_201442.4); short protein forms N558S, N391S.
Identifiers: ClinVar variation 2175047 (VCV002175047.4), dbSNP rs1933410167, ClinGen allele CA383705984.